The following is an entry in ClinVar:

ClinVar aggregate classification (germline): Conflicting classifications of pathogenicity. Review status: criteria provided, conflicting classifications (1 of 4 stars). 2 submissions from 2 submitters: Uncertain significance (1); Likely benign (1). Last evaluated 2024-11-26.

Conditions:
Severe combined immunodeficiency due to DNA-PKcs deficiency. Also called: Immunodeficiency 26 with or without neurologic abnormalities; IMMUNODEFICIENCY 26 WITH NEUROLOGIC ABNORMALITIES. Identifiers: Orphanet 317425, MedGen C4014833, MONDO:0014423, OMIM 615966.

Allele frequency attached by ClinVar (database versions not stated): 1000 Genomes Project 0.00020; 1000 Genomes Project 30x 0.00031; gnomAD 0.00049 and 0.00051; TOPMed 0.00052; gnomAD exomes 0.00053 and 0.00062; ExAC 0.00057; ESP Exome Variant Server 0.00087.
gnomAD v4.1: 997 of 1,613,714 alleles (0.062%); highest among the groups gnomAD compares: Middle Eastern, 0.15%; 1 homozygote.

Submissions (2):

Blueprint Genetics
Classification: Likely benign. Last evaluated: 2024-11-26. Review status: criteria provided, single submitter. Criteria: ACMG Guidelines, 2015. Collection method: clinical testing. Allele origin: germline.

Labcorp Genetics (formerly Invitae), Labcorp
Classification: Uncertain significance for Severe combined immunodeficiency due to DNA-PKcs deficiency. Last evaluated: 2022-10-17. Review status: criteria provided, single submitter. Criteria: Invitae Variant Classification Sherloc (09022015). Collection method: clinical testing. Allele origin: germline.
Comment: This sequence change replaces glycine, which is neutral and non-polar, with serine, which is neutral and polar, at codon 3936 of the PRKDC protein (p.Gly3936Ser). This variant is present in population databases (rs55670423, gnomAD 0.1%), and has an allele count higher than expected for a pathogenic variant. This variant has not been reported in the literature in individuals affected with PRKDC-related conditions. ClinVar contains an entry for this variant (Variation ID: 580964). Advanced modeling of protein sequence and biophysical properties (such as structural, functional, and spatial information, amino acid conservation, physicochemical variation, residue mobility, and thermodynamic stability) performed at Invitae indicates that this missense variant is not expected to disrupt PRKDC protein function. In summary, the available evidence is currently insufficient to determine the role of this variant in disease. Therefore, it has been classified as a Variant of Uncertain Significance.

NM_006904.7(PRKDC):c.11806G>A (p.Gly3936Ser)

Gene: PRKDC (protein kinase, DNA-activated, catalytic subunit; minus strand). Cytogenetic location: 8q11.21.
Variant type: single nucleotide variant.
Coding change: c.11806G>A on transcript NM_006904.7 (MANE Select); coding-DNA position 11806, G replaced by A.
Protein change: p.Gly3936Ser; replaces glycine 3936 with serine.
Molecular consequence: missense variant.
Genome position (GRCh38, 1-based): chr8:47,778,506, C>T on the plus strand (G>A on the coding strand, the complement: PRKDC is on the minus strand). VCF-style: chr8-47778506-C-T. GRCh37 (hg19) VCF-style: chr8-48691067-C-T.
Other names: c.11713G>A, p.Gly3905Ser (NM_001081640.2); short protein forms G3936S, G3905S.
Identifiers: ClinVar variation 580964 (VCV000580964.7), dbSNP rs55670423, ClinGen allele CA4738990.